The following is an entry in ClinVar:

ClinVar aggregate classification (germline): Benign. Review status: criteria provided, multiple submitters, no conflicts (2 of 4 stars). 2 submissions from 2 submitters: Benign (2). Last evaluated 2018-06-14.

Allele frequency attached by ClinVar (database versions not stated): gnomAD 0.05534 and 0.05951; 1000 Genomes Project 0.06410; TOPMed 0.06421; 1000 Genomes Project 30x 0.06949.
gnomAD v4.1: 8,340 of 152,252 alleles (5.5%); highest among the groups gnomAD compares: African/African-American, 19%; 790 homozygotes.

Submissions (2):

GeneDx
Classification: Benign. Last evaluated: 2018-06-14. Review status: criteria provided, single submitter. Criteria: GeneDx Variant Classification (06012015). Collection method: clinical testing. Allele origin: germline. Affected: yes.
Comment: This variant is considered likely benign or benign based on one or more of the following criteria: it is a conservative change, it occurs at a poorly conserved position in the protein, it is predicted to be benign by multiple in silico algorithms, and/or has population frequency not consistent with disease.

Breakthrough Genomics
Classification: Benign. Review status: criteria provided, single submitter. Criteria: ACMG Guidelines, 2015. Collection method: not provided. Allele origin: germline. Inheritance: Autosomal dominant inheritance. Affected: yes.

NM_201596.3(CACNB2):c.214-154G>C

Gene: CACNB2 (calcium voltage-gated channel auxiliary subunit beta 2; plus strand). Cytogenetic location: 10p12.31.
Variant type: single nucleotide variant.
Coding change: c.214-154G>C on transcript NM_201596.3 (MANE Select); 154 bases into the intron before coding-DNA position 214, G replaced by C.
Molecular consequence: intron variant.
Genome position (GRCh38, 1-based): chr10:18,401,770, G>C. VCF-style: chr10-18401770-G-C. GRCh37 (hg19) VCF-style: chr10-18690699-G-C.
Other names: c.130-154G>C (NM_201571.4, NM_001167945.2, NM_201572.4); c.214-154G>C (NM_201593.3, NM_201597.3); c.49-154G>C (NM_000724.4, NM_001330060.2); c.52-154G>C (NM_201590.3); c.70-154G>C (NM_201570.3).
Identifiers: ClinVar variation 673814 (VCV000673814.2), dbSNP rs16917273, ClinGen allele CA203567660.
Genomic context (GRCh38, chr10:18,401,770, plus strand): 5'-GAAGGAATGGCAACTCAGTAGACACAACTATTCTATTGAATGTCTGCAAACCAGAGCATG[G>C]TTTTCTAGATAGGTTGCTGCAAAATGAATTATTTTCTCCTCTTTTCAGGAAAGTATAGAA-3'